The following is an entry in ClinVar:

NM_000969.5(RPL5):c.319C>T (p.Arg107Cys)

Genes: DIPK1A (divergent protein kinase domain 1A; minus strand), RPL5 (ribosomal protein L5; plus strand). Cytogenetic location: 1p22.1.
Variant type: single nucleotide variant.
Coding change: c.319C>T on transcript NM_000969.5 (MANE Select); coding-DNA position 319, C replaced by T.
Protein change: p.Arg107Cys; replaces arginine 107 with cysteine.
Molecular consequence: missense variant. On other transcripts: intron variant (1).
Genome position (GRCh38, 1-based): chr1:92,834,908, C>T. VCF-style: chr1-92834908-C-T. GRCh37 (hg19) VCF-style: chr1-93300465-C-T.
Other names: c.475-1874G>A (NM_001252273.2); short protein forms R107C.
Identifiers: ClinVar variation 2189513 (VCV002189513.4), dbSNP rs777933769, ClinGen allele CA952431.

ClinVar aggregate classification (germline): Uncertain significance. Review status: criteria provided, multiple submitters, no conflicts (2 of 4 stars). 2 submissions from 2 submitters: Uncertain significance (2). Last evaluated 2023-08-14.

Conditions:
Diamond-Blackfan anemia. Also called: Blackfan Diamond syndrome; Aregenerative anemia chronic congenital; Red cell aplasia, pure hereditary; Congenital hypoplastic anemia; Aase syndrome. Identifiers: Orphanet 124, MedGen C1260899, MeSH D029503, MONDO:0015253, HP:0004810.
Diamond-Blackfan anemia 6 (DBA6). Also called: RPL5-Related Diamond-Blackfan Anemia. Identifiers: Orphanet 124, MedGen C2931850, MONDO:0012937, OMIM 612561.

Allele frequency attached by ClinVar (database versions not stated): gnomAD 0.00001; TOPMed below 0.00001; ExAC 0.00001.
gnomAD v4.1: 20 of 1,600,922 alleles (0.0012%); highest among the groups gnomAD compares: Non-Finnish European, 0.0014%; no homozygotes.

Submissions (2):

Revvity Omics, Revvity
Classification: Uncertain significance for Diamond-Blackfan anemia 6. Last evaluated: 2023-08-14. Review status: criteria provided, single submitter. Criteria: ACMG Guidelines, 2015. Collection method: clinical testing. Allele origin: germline.

Labcorp Genetics (formerly Invitae), Labcorp
Classification: Uncertain significance for Diamond-Blackfan anemia. Last evaluated: 2022-07-06. Review status: criteria provided, single submitter. Criteria: Invitae Variant Classification Sherloc (09022015). Collection method: clinical testing. Allele origin: germline.
Comment: In summary, the available evidence is currently insufficient to determine the role of this variant in disease. Therefore, it has been classified as a Variant of Uncertain Significance. Algorithms developed to predict the effect of missense changes on protein structure and function are either unavailable or do not agree on the potential impact of this missense change (SIFT: "Deleterious"; PolyPhen-2: "Benign"; Align-GVGD: "Class C65"). This variant has not been reported in the literature in individuals affected with RPL5-related conditions. This variant is present in population databases (rs777933769, gnomAD 0.006%). This sequence change replaces arginine, which is basic and polar, with cysteine, which is neutral and slightly polar, at codon 107 of the RPL5 protein (p.Arg107Cys).